The following is an entry in ClinVar:

NM_000051.4(ATM):c.8442dup (p.Glu2815fs)

Genes: ATM (ATM serine/threonine kinase; plus strand), C11orf65 (chromosome 11 open reading frame 65; minus strand). Cytogenetic location: 11q22.3.
Variant type: Duplication.
Coding change: c.8442dup on transcript NM_000051.4 (MANE Select); coding-DNA position 8442, one base duplicated (A; older notation c.8442dupA).
Protein change: p.Glu2815fs; shifts the reading frame from glutamic acid 2815.
Molecular consequence: frameshift variant. On other transcripts: intron variant (2).
Genome position (GRCh38, 1-based): chr11:108,345,766, A duplicated; the last of 2 consecutive A bases (chr11:108,345,765-108,345,766); duplicating either gives the same sequence. VCF-style (leftmost placement, unchanged base first): chr11-108345764-G-GA. GRCh37 (hg19) VCF-style: chr11-108216491-G-GA.
Other names: c.8442dup, p.Glu2815fs (NM_001351834.2); c.641-36694dup (NM_001330368.2); c.695-10473dup (NM_001351110.2); c.8442dupA (NM_000051.3); short protein forms E2815fs.
Identifiers: ClinVar variation 4169136 (VCV004169136.1).

ClinVar aggregate classification (germline): Pathogenic (1 of 4 stars; one submission).

Conditions:
Hereditary cancer-predisposing syndrome. Also called: Neoplastic Syndromes, Hereditary; Tumor predisposition; Hereditary neoplastic syndrome; Hereditary Cancer Syndrome. Identifiers: Orphanet 140162, MedGen C0027672, MeSH D009386, MONDO:0015356.

Submission:

Ambry Genetics
Classification: Pathogenic for Hereditary cancer-predisposing syndrome. Last evaluated: 2025-07-23. Review status: criteria provided, single submitter. Criteria: Ambry Variant Classification Scheme 2023. Collection method: clinical testing. Allele origin: germline.
Comment: The c.8442dupA pathogenic mutation, located in coding exon 57 of the ATM gene, results from a duplication of A at nucleotide position 8442, causing a translational frameshift with a predicted alternate stop codon (p.E2815Rfs*4). This variant is considered to be rare based on population cohorts in the Genome Aggregation Database (gnomAD). This alteration is expected to result in loss of function by premature protein truncation or nonsense-mediated mRNA decay. As such, this alteration is interpreted as a disease-causing mutation.